The following is an entry in ClinVar:

NM_020778.5(ALPK3):c.4344C>A (p.Ser1448Arg)

Gene: ALPK3 (alpha kinase 3; plus strand). Cytogenetic location: 15q25.3.
Variant type: single nucleotide variant.
Coding change: c.4344C>A on transcript NM_020778.5 (MANE Select); coding-DNA position 4344, C replaced by A.
Protein change: p.Ser1448Arg; replaces serine 1448 with arginine.
Molecular consequence: missense variant.
Genome position (GRCh38, 1-based): chr15:84,862,849, C>A. VCF-style: chr15-84862849-C-A. GRCh37 (hg19) VCF-style: chr15-85406080-C-A.
Other names: short protein forms S1448R.
Identifiers: ClinVar variation 3702380 (VCV003702380.2).

ClinVar aggregate classification (germline): Uncertain significance (1 of 4 stars; one submission).

gnomAD v4.1: 2 of 1,614,170 alleles (0.00012%); highest among the groups gnomAD compares: Non-Finnish European, 0.000085%; no homozygotes.

Submission:

Labcorp Genetics (formerly Invitae), Labcorp
Classification: Uncertain significance. Last evaluated: 2024-04-11. Review status: criteria provided, single submitter. Criteria: Invitae Variant Classification Sherloc (09022015). Collection method: clinical testing. Allele origin: germline.
Comment: This sequence change replaces serine, which is neutral and polar, with arginine, which is basic and polar, at codon 1650 of the ALPK3 protein (p.Ser1650Arg). This variant is present in population databases (rs758620638, gnomAD no frequency). This variant has not been reported in the literature in individuals affected with ALPK3-related conditions. An algorithm developed to predict the effect of missense changes on protein structure and function (PolyPhen-2) suggests that this variant is likely to be disruptive. In summary, the available evidence is currently insufficient to determine the role of this variant in disease. Therefore, it has been classified as a Variant of Uncertain Significance.